The following is an entry in ClinVar:

NM_004006.3(DMD):c.1795del (p.Ser599fs)

Gene: DMD (dystrophin; minus strand). Cytogenetic location: Xp21.1.
Variant type: Deletion.
Coding change: c.1795del on transcript NM_004006.3 (MANE Select); coding-DNA position 1795, one base deleted (A; older notation c.1795delA).
Protein change: p.Ser599fs; shifts the reading frame from serine 599.
Molecular consequence: frameshift variant.
Genome position (GRCh38, 1-based): chrX:32,573,547, T deleted on the plus strand (A on the coding strand, the reverse complement: DMD is on the minus strand); the first of 2 consecutive T bases (chrX:32,573,547-32,573,548); deleting either gives the same sequence. VCF-style (leftmost placement, unchanged base first): chrX-32573546-CT-C. GRCh37 (hg19) VCF-style: chrX-32591663-CT-C.
Other names: c.1795delA (NM_004006.2); c.1771del, p.Ser591fs (NM_000109.4); c.1783del, p.Ser595fs (NM_004009.3); c.1426del, p.Ser476fs (NM_004010.3); short protein forms S476fs, S595fs, S599fs, S591fs.
Identifiers: ClinVar variation 526077 (VCV000526077.7), dbSNP rs1556809704, ClinGen allele CA658799676.

ClinVar aggregate classification (germline): Pathogenic (1 of 4 stars; one submission).

Conditions:
Duchenne muscular dystrophy (DMD). Also called: Duchenne Muscular Dystrophy (DMD); MUSCULAR DYSTROPHY, PSEUDOHYPERTROPHIC PROGRESSIVE, DUCHENNE TYPE. Identifiers: Orphanet 98896, MedGen C0013264, MONDO:0010679, OMIM 310200.

Submission:

Labcorp Genetics (formerly Invitae), Labcorp
Classification: Pathogenic for Duchenne muscular dystrophy. Last evaluated: 2017-09-11. Review status: criteria provided, single submitter. Criteria: Invitae Variant Classification Sherloc (09022015). Collection method: clinical testing. Allele origin: germline.
Comment: This variant is not present in population databases (ExAC no frequency). This variant has not been reported in the literature in individuals with DMD-related disease. Loss-of-function variants in DMD are known to be pathogenic (PMID: 16770791, 25007885). For these reasons, this variant has been classified as Pathogenic. This sequence change creates a premature translational stop signal (p.Ser599Valfs*8) in the DMD gene. It is expected to result in an absent or disrupted protein product.

Literature cited by the submitters: PubMed 16770791; PubMed 25007885.